The following is an entry in ClinVar:

NM_001371928.1(AHDC1):c.132T>C (p.Pro44=)

Gene: AHDC1 (AT-hook DNA binding motif containing 1; minus strand). Cytogenetic location: 1p36.11.
Variant type: single nucleotide variant.
Coding change: c.132T>C on transcript NM_001371928.1 (MANE Select); coding-DNA position 132, T replaced by C.
Protein change: p.Pro44=; no amino-acid change (proline 44 retained).
Molecular consequence: synonymous variant.
Genome position (GRCh38, 1-based): chr1:27,551,984, A>G on the plus strand (T>C on the coding strand, the complement: AHDC1 is on the minus strand). VCF-style: chr1-27551984-A-G. GRCh37 (hg19) VCF-style: chr1-27878495-A-G.
Other names: c.132T>C, p.Pro44= (NM_001029882.3).
Identifiers: ClinVar variation 4822678 (VCV004822678.4).

ClinVar aggregate classification (germline): Likely benign (1 of 4 stars; one submission).

Submission:

CeGaT Center for Human Genetics Tuebingen
Classification: Likely benign. Last evaluated: 2026-02-01. Review status: criteria provided, single submitter. Criteria: CeGaT Center For Human Genetics Tuebingen Variant Classification Criteria Version 2. Collection method: clinical testing. Allele origin: germline. Affected: yes. Observed: 1 variant allele.
Comment: AHDC1: PM2:Supporting, BP4, BP7